The following is an entry in ClinVar:

NC_000023.10:g.(?_31279052)_(31462764_?)dup

Gene: DMD (dystrophin; minus strand). Cytogenetic location: Xp21.2.
Variant type: Duplication.
Identifiers: ClinVar variation 3243330 (VCV003243330.1).

ClinVar aggregate classification (germline): Pathogenic (1 of 4 stars; one submission).

Conditions:
Duchenne muscular dystrophy (DMD). Also called: MUSCULAR DYSTROPHY, PSEUDOHYPERTROPHIC PROGRESSIVE, DUCHENNE TYPE; Duchenne Muscular Dystrophy (DMD). Identifiers: Orphanet 98896, MedGen C0013264, MONDO:0010679, OMIM 310200.

Submission:

Labcorp Genetics (formerly Invitae), Labcorp
Classification: Pathogenic for Duchenne muscular dystrophy. Last evaluated: 2023-05-10. Review status: criteria provided, single submitter. Criteria: Invitae Variant Classification Sherloc (09022015). Collection method: clinical testing. Allele origin: unknown.
Comment: For these reasons, this variant has been classified as Pathogenic. A similar copy number variant has been observed in individual(s) with clinical features of DMD-related conditions (PMID: 23299919). This variant results in a copy number gain of the genomic region encompassing exon(s) 60-63 of the DMD gene. While the exact position of this variant cannot be determined from the data, sub-genic copy number gains are generally in tandem (PMID: 25640679). This variant is predicted to be out-of-frame, and may result in an absent or disrupted protein product. Loss-of-function variants in DMD are known to be pathogenic (PMID: 16770791, 25007885).

Literature cited by the submitters: PubMed 23299919; PubMed 25640679; PubMed 16770791; PubMed 25007885.